The following is an entry in ClinVar:

ClinVar aggregate classification (germline): Pathogenic. Review status: criteria provided, multiple submitters, no conflicts (2 of 4 stars). 3 submissions from 3 submitters: Pathogenic (3). Last evaluated 2026-07-07.

Conditions:
Neurofibromatosis, type 1 (NF1). Also called: Peripheral type neurofibromatosis; Neurofibromatosis, type I; VON RECKLINGHAUSEN DISEASE; NEUROFIBROMATOSIS, TYPE I, SOMATIC. Identifiers: Orphanet 636, MedGen C0027831, MONDO:0018975, OMIM 162200. Disease mechanism: loss of function.

Submissions (3):

GeneDx
Classification: Pathogenic. Last evaluated: 2026-07-07. Review status: criteria provided, single submitter. Criteria: GeneDx Variant Classification Process June 2021. Collection method: clinical testing. Allele origin: germline.
Comment: Frameshift variant predicted to result in protein truncation or nonsense mediated decay in a gene for which loss of function is a known mechanism of disease; Not observed at significant frequency in large population cohorts (gnomAD); This variant is associated with the following publications: (PMID: 30308447)

Labcorp Genetics (formerly Invitae), Labcorp
Classification: Pathogenic for Neurofibromatosis, type 1. Last evaluated: 2024-02-01. Review status: criteria provided, single submitter. Criteria: Invitae Variant Classification Sherloc (09022015). Collection method: clinical testing. Allele origin: germline.
Comment: This sequence change creates a premature translational stop signal (p.His31Tyrfs*6) in the NF1 gene. It is expected to result in an absent or disrupted protein product. Loss-of-function variants in NF1 are known to be pathogenic (PMID: 10712197, 23913538). This variant is not present in population databases (gnomAD no frequency). This premature translational stop signal has been observed in individual(s) with neurofibromatosis type 1 (PMID: 30308447; Invitae). ClinVar contains an entry for this variant (Variation ID: 569660). For these reasons, this variant has been classified as Pathogenic.

Mayo Clinic Laboratories, Mayo Clinic
Classification: Pathogenic. Last evaluated: 2024-01-23. Review status: criteria provided, single submitter. Criteria: ACMG Guidelines, 2015. Collection method: clinical testing. Allele origin: germline. Observed: 1 variant allele.
Comment: PP4, PM2_moderate, PVS1

Literature cited by the submitters: PubMed 10712197 (cited by Labcorp Genetics (formerly Invitae), Labcorp); PubMed 23913538 (cited by Labcorp Genetics (formerly Invitae), Labcorp); PubMed 30308447 (cited by Labcorp Genetics (formerly Invitae), Labcorp and Mayo Clinic Laboratories, Mayo Clinic).

NM_001042492.3(NF1):c.91_92del (p.His31fs)

Gene: NF1 (neurofibromin 1; plus strand). Cytogenetic location: 17q11.2.
Variant type: Microsatellite.
Coding change: c.91_92del on transcript NM_001042492.3 (MANE Select); coding-DNA positions 91 to 92, 2 bases deleted (CA; older notation c.91_92delCA).
Protein change: p.His31fs; shifts the reading frame from histidine 31.
Molecular consequence: frameshift variant.
Genome position (GRCh38, 1-based): chr17:31,156,013-31,156,014, CA deleted; deleting any 2 consecutive bases within chr17:31,156,008-31,156,014 gives the same sequence; the c. name uses the placement nearest the transcript's 3' end. VCF-style (leftmost placement, unchanged base first): chr17-31156007-AAC-A. GRCh37 (hg19) VCF-style: chr17-29483025-AAC-A.
Other names: p.His31Tyrfs*6; c.91_92delCA (NM_000267.3); c.87_88CA[2], p.His31Tyrfs (NM_000267.4); c.91_92del, p.His31fs (NM_001128147.3); short protein forms H31fs.
Identifiers: ClinVar variation 569660 (VCV000569660.8), dbSNP rs1567814432, ClinGen allele CA891844547.
Genomic context (GRCh38, chr17:31,156,007, plus strand): 5'-AGCTGTTAACGTGTTTTTTTTTTCTTTTTTTTTCAGCTTCCAATAAAAACAGGACAGCAG[AAC>A]ACACATACCAAAGTCAGTACTGAGCACAACAAGGAATGTCTAATCAATATTTCCAAATAC-3'